The following is an entry in ClinVar:

ClinVar aggregate classification (germline): Conflicting classifications of pathogenicity. Review status: criteria provided, conflicting classifications (1 of 4 stars). 2 submissions from 2 submitters: Likely pathogenic (1); Uncertain significance (1). Last evaluated 2022-12-31.

Conditions:
Mucopolysaccharidosis, MPS-IV-A (MPS4A). Also called: Mucopolysaccharidosis type IV A; Mucopolysaccharidosis Type IVA; Morquio syndrome A, mild; MORQUIO SYNDROME A; MPS IVA; mucopolysaccharidosis type 4A. Identifiers: Orphanet 309297, Orphanet 582, MedGen C0086651, MONDO:0009659, OMIM 253000.

gnomAD v4.1: 6 of 1,613,600 alleles (0.00037%); highest among the groups gnomAD compares: Non-Finnish European, 0.00042%; no homozygotes.

Submissions (2):

Labcorp Genetics (formerly Invitae), Labcorp
Classification: Likely pathogenic for Mucopolysaccharidosis, MPS-IV-A. Last evaluated: 2022-12-31. Review status: criteria provided, single submitter. Criteria: Invitae Variant Classification Sherloc (09022015). Collection method: clinical testing. Allele origin: germline.
Comment: ClinVar contains an entry for this variant (Variation ID: 1048180). This missense change has been observed in individual(s) with mucopolysaccharidosis type IVA (PMID: 8826435). In at least one individual the data is consistent with being in trans (on the opposite chromosome) from a pathogenic variant. This variant is not present in population databases (gnomAD no frequency). This sequence change replaces phenylalanine, which is neutral and non-polar, with valine, which is neutral and non-polar, at codon 97 of the GALNS protein (p.Phe97Val). Advanced modeling of protein sequence and biophysical properties (such as structural, functional, and spatial information, amino acid conservation, physicochemical variation, residue mobility, and thermodynamic stability) performed at Invitae indicates that this missense variant is expected to disrupt GALNS protein function. In summary, the currently available evidence indicates that the variant is pathogenic, but additional data are needed to prove that conclusively. Therefore, this variant has been classified as Likely Pathogenic. Experimental studies have shown that this missense change affects GALNS function (PMID: 8826435, 9375852, 10814710).

Laboratory of Diagnosis and Therapy of Lysosomal Disorders, University of Padova
Classification: Uncertain significance for Mucopolysaccharidosis, MPS-IV-A. Last evaluated: 2021-02-01. Review status: criteria provided, single submitter. Criteria: ACMG Guidelines, 2015. Collection method: curation. Allele origin: germline. Affected: yes.
Comment: Absent from gnomAD v2.1.1 (PM2_moderate); multiple lines of computational evidence support a deleterious effect on the gene (PP3_supporting)

Literature cited by the submitters: PubMed 8826435 (cited by Labcorp Genetics (formerly Invitae), Labcorp and Laboratory of Diagnosis and Therapy of Lysosomal Disorders, University of Padova); PubMed 9375852 (cited by Labcorp Genetics (formerly Invitae), Labcorp); PubMed 10814710 (cited by Labcorp Genetics (formerly Invitae), Labcorp); PubMed 16287098 (cited by Laboratory of Diagnosis and Therapy of Lysosomal Disorders, University of Padova); PubMed 34387910 (cited by Laboratory of Diagnosis and Therapy of Lysosomal Disorders, University of Padova).

NM_000512.5(GALNS):c.289T>G (p.Phe97Val)

Gene: GALNS (galactosamine (N-acetyl)-6-sulfatase; minus strand). Cytogenetic location: 16q24.3.
Variant type: single nucleotide variant.
Coding change: c.289T>G on transcript NM_000512.5 (MANE Select); coding-DNA position 289, T replaced by G.
Protein change: p.Phe97Val; replaces phenylalanine 97 with valine.
Molecular consequence: missense variant. On other transcripts: 5 prime UTR variant (1).
Genome position (GRCh38, 1-based): chr16:88,841,927, A>C on the plus strand (T>G on the coding strand, the complement: GALNS is on the minus strand). VCF-style: chr16-88841927-A-C. GRCh37 (hg19) VCF-style: chr16-88908335-A-C.
Other names: c.-267T>G (NM_001323543.2); c.307T>G, p.Phe103Val (NM_001323544.2); short protein forms F103V, F97V.
Identifiers: ClinVar variation 1048180 (VCV001048180.6), dbSNP rs2143005083, ClinGen allele CA397089148.